The following is an entry in ClinVar:

NM_173598.6(KSR2):c.980C>T (p.Thr327Met)

Gene: KSR2 (kinase suppressor of ras 2; minus strand). Cytogenetic location: 12q24.23.
Variant type: single nucleotide variant.
Coding change: c.980C>T on transcript NM_173598.6 (MANE Select); coding-DNA position 980, C replaced by T.
Protein change: p.Thr327Met; replaces threonine 327 with methionine.
Molecular consequence: missense variant.
Genome position (GRCh38, 1-based): chr12:117,761,017, G>A on the plus strand (C>T on the coding strand, the complement: KSR2 is on the minus strand). VCF-style: chr12-117761017-G-A. GRCh37 (hg19) VCF-style: chr12-118198822-G-A.
Other names: short protein forms T327M.
Identifiers: ClinVar variation 2634291 (VCV002634291.6), dbSNP rs765576718, ClinGen allele CA6816219.

ClinVar aggregate classification (germline): Uncertain significance. Review status: criteria provided, multiple submitters, no conflicts (2 of 4 stars). 2 submissions from 2 submitters: Uncertain significance (2). Last evaluated 2026-05-13.

Conditions:
KSR2-related disorder. Also called: KSR2-related condition.

Allele frequency attached by ClinVar (database versions not stated): gnomAD 0.00001; ExAC 0.00003; TOPMed 0.00005.
gnomAD v4.1: 29 of 1,613,454 alleles (0.0018%); highest among the groups gnomAD compares: Admixed American, 0.018%; no homozygotes.

Submissions (2):

PreventionGenetics, part of Exact Sciences
Classification: Uncertain significance for KSR2-related condition. Last evaluated: 2026-05-13. Review status: criteria provided, single submitter. Criteria: ACMG Guidelines, 2015. Collection method: clinical testing. Allele origin: germline.
Comment: The KSR2 c.893C>T variant is predicted to result in the amino acid substitution p.Thr298Met. This variant is referred to as c.980C>T (p.Thr327Met) in the alternate transcript NM_173598.6. This variant has been reported as a variant of uncertain significance in a cohort study of children with obesity (Supp. Table 2. Roberts et al. 2022. PubMed ID: 35562395). This variant is reported in 0.028% of alleles in individuals of Latino descent in gnomAD. At this time, the clinical significance of this variant is uncertain due to the absence of conclusive functional and genetic evidence.

Labcorp Genetics (formerly Invitae), Labcorp
Classification: Uncertain significance. Last evaluated: 2023-07-19. Review status: criteria provided, single submitter. Criteria: Invitae Variant Classification Sherloc (09022015). Collection method: clinical testing. Allele origin: germline.
Comment: In summary, the available evidence is currently insufficient to determine the role of this variant in disease. Therefore, it has been classified as a Variant of Uncertain Significance. An algorithm developed to predict the effect of missense changes on protein structure and function (PolyPhen-2) suggests that this variant is likely to be disruptive. This variant has not been reported in the literature in individuals affected with KSR2-related conditions. This variant is present in population databases (rs765576718, gnomAD 0.03%). This sequence change replaces threonine, which is neutral and polar, with methionine, which is neutral and non-polar, at codon 298 of the KSR2 protein (p.Thr298Met).